The following is an entry in ClinVar:

ClinVar aggregate classification (germline): Benign/Likely benign. Review status: criteria provided, multiple submitters, no conflicts (2 of 4 stars). 4 submissions from 4 submitters: Benign (1); Likely benign (3). Last evaluated 2025-11-11.

Conditions:
BAP1-related tumor predisposition syndrome (TPDS1). Also called: COMMON Syndrome; TUMOR PREDISPOSITION SYNDROME 1; Tumor susceptibility linked to germline BAP1 mutations; BAP1 tumor predisposition syndrome. Identifiers: Orphanet 289539, MedGen C3280492, MONDO:0013692, OMIM 614327.
Hereditary cancer-predisposing syndrome. Also called: Tumor predisposition; Neoplastic Syndromes, Hereditary; Hereditary neoplastic syndrome; Hereditary Cancer Syndrome. Identifiers: Orphanet 140162, MedGen C0027672, MeSH D009386, MONDO:0015356.

Submissions (4):

Labcorp Genetics (formerly Invitae), Labcorp
Classification: Likely benign for BAP1-related tumor predisposition syndrome. Last evaluated: 2025-11-11. Review status: criteria provided, single submitter. Criteria: Invitae Variant Classification Sherloc (09022015). Collection method: clinical testing. Allele origin: germline.

Color Diagnostics, LLC DBA Color Health
Classification: Likely benign for Hereditary cancer-predisposing syndrome. Last evaluated: 2024-12-16. Review status: criteria provided, single submitter. Criteria: ACMG Guidelines, 2015. Collection method: clinical testing. Allele origin: germline.

Myriad Genetics, Inc.
Classification: Benign for BAP1-related tumor predisposition syndrome. Last evaluated: 2024-07-16. Review status: criteria provided, single submitter. Criteria: Myriad Autosomal Dominant, Autosomal Recessive and X-Linked Classification Criteria (2023). Collection method: clinical testing. Allele origin: unknown.
Comment: This variant is considered benign. This variant is a silent/synonymous amino acid change and it is not expected to impact splicing.

Ambry Genetics
Classification: Likely benign for Hereditary cancer-predisposing syndrome. Last evaluated: 2024-02-05. Review status: criteria provided, single submitter. Criteria: Ambry Variant Classification Scheme 2023. Collection method: clinical testing. Allele origin: germline.

NM_004656.4(BAP1):c.1665T>C (p.Pro555=)

Gene: BAP1 (BRCA1 associated deubiquitinase 1; minus strand). Cytogenetic location: 3p21.1.
Variant type: single nucleotide variant.
Coding change: c.1665T>C on transcript NM_004656.4 (MANE Select); coding-DNA position 1665, T replaced by C.
Protein change: p.Pro555=; no amino-acid change (proline 555 retained).
Molecular consequence: synonymous variant.
Genome position (GRCh38, 1-based): chr3:52,403,480, A>G on the plus strand (T>C on the coding strand, the complement: BAP1 is on the minus strand). VCF-style: chr3-52403480-A-G. GRCh37 (hg19) VCF-style: chr3-52437496-A-G.
Other names: c.1665T>C (NM_004656.2).
Identifiers: ClinVar variation 1152420 (VCV001152420.10), dbSNP rs2153226607, ClinGen allele CA433885892.
Genomic context (GRCh38, chr3:52,403,480, plus strand): 5'-CAGCGCCAGGGGACTCAGCACCCCATCCTCAGCCAGGTGCAGCAGGCCTGTGCTGATGAC[A>G]GGACCCAGATCACGGACAGCACGGTTGTAGCGTATGCAGTCAACACGCAGCAGGCTGTCA-3'
Protein context (NP_004647.1, residues 545-565): RYNRAVRDLG[Pro555=]VISTGLLHLA